The following is an entry in ClinVar:

ClinVar aggregate classification (germline): Uncertain significance (1 of 4 stars; one submission).

Conditions:
Maturity-onset diabetes of the young, type 12. Identifiers: MedGen C6012723, MONDO:0978299, OMIM 621196.
Diabetes mellitus, permanent neonatal 3. Also called: ABCC8-Related Permanent Neonatal Diabetes Mellitus. Identifiers: MedGen C5394303, MONDO:0030088, OMIM 618857.
Hyperinsulinemic hypoglycemia, familial, 1 (HHF1). Also called: HYPERINSULINISM, FAMILIAL, WITH PANCREATIC NESIDIOBLASTOSIS; HYPOGLYCEMIA, HYPERINSULINEMIC, OF INFANCY; NESIDIOBLASTOSIS OF PANCREAS; Persistent hyperinsulinemic hypoglycemia of infancy; Persistent Hyperinsulinemia Hypoglycemia of Infancy. Identifiers: Orphanet 276575, Orphanet 276598, MedGen C2931832, MONDO:0009734, OMIM 256450.
Leucine-induced hypoglycemia (LIH). Also called: LEUCINE-SENSITIVE HYPOGLYCEMIA OF INFANCY. Identifiers: MedGen C0271714, MONDO:0009415, OMIM 240800.
Type 2 diabetes mellitus. Also called: Type II diabetes mellitus. Identifiers: MedGen C0011860, MeSH D003924, MONDO:0005148, OMIM 125853, HP:0005978.
Diabetes mellitus, transient neonatal, 2 (TNDM2). Identifiers: Orphanet 99886, MedGen C1835887, MONDO:0012480, OMIM 610374. Disease mechanism: loss of function.

gnomAD v4.1: 2 of 1,588,186 alleles (0.00013%); highest among the groups gnomAD compares: Non-Finnish European, 0.000086%; no homozygotes.

Submission:

Juno Genomics, Hangzhou Juno Genomics, Inc
Classification: Uncertain significance for Diabetes mellitus, permanent neonatal 3; Maturity-onset diabetes of the young, type 12; Type 2 diabetes mellitus; Diabetes mellitus, transient neonatal, 2; Hyperinsulinemic hypoglycemia, familial, 1; Leucine-induced hypoglycemia. Review status: criteria provided, single submitter. Criteria: ACMG Guidelines, 2015. Collection method: clinical testing. Allele origin: germline.
Comment: Absent from controls (or at extremely low frequency if recessive) in Genome Aggregation Database.;Multiple lines of computational evidence support a deleterious effect on the gene or gene product.

NM_000352.6(ABCC8):c.4314C>A (p.Asn1438Lys)

Gene: ABCC8 (ATP binding cassette subfamily C member 8; minus strand). Cytogenetic location: 11p15.1.
Variant type: single nucleotide variant.
Coding change: c.4314C>A on transcript NM_000352.6 (MANE Select); coding-DNA position 4314, C replaced by A.
Protein change: p.Asn1438Lys; replaces asparagine 1438 with lysine.
Molecular consequence: missense variant. On other transcripts: non-coding transcript variant (1).
Genome position (GRCh38, 1-based): chr11:17,395,269, G>T on the plus strand (C>A on the coding strand, the complement: ABCC8 is on the minus strand). VCF-style: chr11-17395269-G-T. GRCh37 (hg19) VCF-style: chr11-17416816-G-T.
Other names: c.4317C>A, p.Asn1439Lys (NM_001287174.3); c.4380C>A, p.Asn1460Lys (NM_001351295.2); c.4314C>A, p.Asn1438Lys (NM_001351296.2); c.4311C>A, p.Asn1437Lys (NM_001351297.2); short protein forms N1437K, N1460K, N1439K, N1438K.
Identifiers: ClinVar variation 5007824 (VCV005007824.2).
Genomic context (GRCh38, chr11:17,395,269, plus strand): 5'-CTGGGCGATTTCCAGGGCCTCCCACAGTGTGCTATCTGAGCACTTCCTCTCAGGGTCCAG[G>T]TTAAATCTGGAAGTGGCACAGAAAGCCCCAGTAGGGAGGGAGCAGGGTCCTGCCTGCATC-3'
Protein context (NP_000343.2, residues 1428-1448): PVLFSGTIRF[Asn1438Lys]LDPERKCSDS